The following is an entry in ClinVar:

NM_004415.4(DSP):c.1386del (p.Leu463fs)

Gene: DSP (desmoplakin; plus strand). Cytogenetic location: 6p24.3.
Variant type: Deletion.
Coding change: c.1386del on transcript NM_004415.4 (MANE Select); coding-DNA position 1386, one base deleted (T; older notation c.1386delT).
Protein change: p.Leu463fs; shifts the reading frame from leucine 463.
Molecular consequence: frameshift variant.
Genome position (GRCh38, 1-based): chr6:7,568,556, T deleted; the last of 2 consecutive T bases (chr6:7,568,555-7,568,556); deleting either gives the same sequence. VCF-style (leftmost placement, unchanged base first): chr6-7568554-AT-A. GRCh37 (hg19) VCF-style: chr6-7568787-AT-A.
Other names: c.1386del, p.Leu463fs (NM_001008844.3, NM_001319034.2); short protein forms L463fs.
Identifiers: ClinVar variation 922148 (VCV000922148.3), dbSNP rs1758933837, ClinGen allele CA913187583.
Genomic context (GRCh38, chr6:7,568,554, plus strand): 5'-TCTAAGAAGATTGTACAGCTGAAGCCTCGTAACCCAGACTACAGAAGCAATAAACCCATT[AT>A]TCTCAGAGCTCTCTGTGACTACAAACAAGATCAGGTGTGTACTCATTTAGAATGATACAA-3'

ClinVar aggregate classification (germline): Pathogenic (1 of 4 stars; one submission).

Conditions:
Cardiomyopathy (CMYO). Also called: Cardiomyopathies. Identifiers: Orphanet 167848, MedGen C0878544, MONDO:0004994, HP:0001638. Inheritance: Various modes of inheritance.

Submission:

Color Diagnostics, LLC DBA Color Health
Classification: Pathogenic for Cardiomyopathy. Last evaluated: 2018-11-13. Review status: criteria provided, single submitter. Criteria: ACMG Guidelines, 2015. Collection method: clinical testing. Allele origin: germline.
Comment: This variant results in the deletion of 1 nucleotide in exon 11 of the DSP gene, creating a frameshift and premature translation stop signal. This variant is expected to result in an absent or non-functional protein product. To our knowledge, functional assays have not been performed for this variant nor has this variant been reported in individuals affected with cardiovascular disorders in the literature. This variant has not been identified in the general population by the Genome Aggregation Database (gnomAD). Loss of DSP function is a known mechanism of disease. Based on available evidence, this variant is classified as Pathogenic.